The following is an entry in ClinVar:

NM_001042492.3(NF1):c.2597C>T (p.Pro866Leu)

Gene: NF1 (neurofibromin 1; plus strand). Cytogenetic location: 17q11.2.
Variant type: single nucleotide variant.
Coding change: c.2597C>T on transcript NM_001042492.3 (MANE Select); coding-DNA position 2597, C replaced by T.
Protein change: p.Pro866Leu; replaces proline 866 with leucine.
Molecular consequence: missense variant.
Genome position (GRCh38, 1-based): chr17:31,229,212, C>T. VCF-style: chr17-31229212-C-T. GRCh37 (hg19) VCF-style: chr17-29556230-C-T.
Other names: c.2597C>T, p.Pro866Leu (NM_000267.4); short protein forms P866L.
Identifiers: ClinVar variation 231303 (VCV000231303.13), dbSNP rs767159555, ClinGen allele CA8486003.

ClinVar aggregate classification (germline): Conflicting classifications of pathogenicity. Review status: criteria provided, conflicting classifications (1 of 4 stars). 4 submissions from 3 submitters: Uncertain significance (3); Likely benign (1). Last evaluated 2025-12-03.

Conditions:
Cardiovascular phenotype. Identifiers: MedGen CN230736.
Hereditary cancer-predisposing syndrome. Also called: Hereditary Cancer Syndrome; Neoplastic Syndromes, Hereditary; Tumor predisposition; Hereditary neoplastic syndrome. Identifiers: Orphanet 140162, MedGen C0027672, MeSH D009386, MONDO:0015356.
Neurofibromatosis, type 1 (NF1). Also called: Neurofibromatosis, type I; VON RECKLINGHAUSEN DISEASE; NEUROFIBROMATOSIS, TYPE I, SOMATIC; Peripheral type neurofibromatosis. Identifiers: Orphanet 636, MedGen C0027831, MONDO:0018975, OMIM 162200. Disease mechanism: loss of function.

Allele frequency attached by ClinVar (database versions not stated): gnomAD exomes below 0.00001 and 0.00001; TOPMed below 0.00001; ExAC 0.00001; gnomAD 0.00001.
gnomAD v4.1: 18 of 1,611,936 alleles (0.0011%); highest among the groups gnomAD compares: Non-Finnish European, 0.0014%; no homozygotes.

Submissions (4):

Labcorp Genetics (formerly Invitae), Labcorp
Classification: Likely benign for Neurofibromatosis, type 1. Last evaluated: 2025-12-03. Review status: criteria provided, single submitter. Criteria: Invitae Variant Classification Sherloc (09022015). Collection method: clinical testing. Allele origin: germline.

Genome-Nilou Lab
Classification: Uncertain significance for Neurofibromatosis, type 1. Last evaluated: 2022-03-15. Review status: criteria provided, single submitter. Criteria: ACMG Guidelines, 2015. Collection method: clinical testing. Allele origin: germline. Affected: no.

Ambry Genetics
Classification: Uncertain significance for Cardiovascular phenotype; Hereditary cancer-predisposing syndrome. Last evaluated: 2021-12-02. Review status: criteria provided, single submitter. Criteria: Ambry Variant Classification Scheme 2023. Collection method: clinical testing. Allele origin: germline.

Ambry Genetics
Classification: Uncertain significance for Hereditary cancer-predisposing syndrome. Last evaluated: 2015-04-10. Review status: criteria provided, single submitter. Criteria: Ambry Autosomal Dominant and X-Linked criteria (10/2015). Collection method: clinical testing. Allele origin: germline. Observed: 1 variant allele.
Comment: The p.P866L variant (also known as c.2597C>T), located in coding exon 21 of the NF1 gene, results from a C to T substitution at nucleotide position 2597. The proline at codon 866 is replaced by leucine, an amino acid with similar properties. This variant was not reported in population based cohorts in the following databases: Database of Single Nucleotide Polymorphisms (dbSNP), NHLBI Exome Sequencing Project (ESP), and 1000 Genomes Project. In the ESP, this variant was not observed in 6503 samples (13006 alleles) with coverage at this position. To date, this alteration has been detected with an allele frequency of approximately 0.004% (greater than 55000alleles tested) in our clinical cohort.This amino acid position is highly conserved in available vertebrate species. In addition, this alteration is predicted to be deleterious by in silico analysis.Since supporting evidence is limited at this time, the clinical significance of p.P866L remains unclear.